The following is an entry in ClinVar:

NM_000311.5(PRNP):c.696G>T (p.Met232Ile)

Gene: PRNP (prion protein (Kanno blood group); plus strand). Cytogenetic location: 20p13.
Variant type: single nucleotide variant.
Coding change: c.696G>T on transcript NM_000311.5 (MANE Select); coding-DNA position 696, G replaced by T.
Protein change: p.Met232Ile; replaces methionine 232 with isoleucine.
Molecular consequence: missense variant. On other transcripts: 3 prime UTR variant (1).
Genome position (GRCh38, 1-based): chr20:4,699,916, G>T. VCF-style: chr20-4699916-G-T. GRCh37 (hg19) VCF-style: chr20-4680562-G-T.
Other names: c.696G>T, p.Met232Ile (NM_001080121.3, NM_001080122.3, NM_001080123.3 and 1 more transcripts); c.*385G>T (NM_001271561.3); short protein forms M232I.
Identifiers: ClinVar variation 1707842 (VCV001707842.2), dbSNP rs2514375336, ClinGen allele CA408152924.

ClinVar aggregate classification (germline): Uncertain significance (1 of 4 stars; one submission).

Submission:

GeneDx
Classification: Uncertain significance. Last evaluated: 2022-04-01. Review status: criteria provided, single submitter. Criteria: GeneDx Variant Classification Process June 2021. Collection method: clinical testing. Allele origin: germline. Affected: yes.
Comment: Not observed at significant frequency in large population cohorts (gnomAD); In silico analysis supports that this missense variant does not alter protein structure/function; Has not been previously published as pathogenic or benign to our knowledge